The following is an entry in ClinVar:

ClinVar aggregate classification (germline): Pathogenic (1 of 4 stars; one submission).

Submission:

GeneDx
Classification: Pathogenic. Last evaluated: 2017-09-13. Review status: criteria provided, single submitter. Criteria: GeneDx Variant Classification (06012015). Collection method: clinical testing. Allele origin: germline. Affected: yes.
Comment: Although the c.4531_4534delTGTG pathogenic variant in the FBN1 gene has not been reported to our knowledge, this variant causes a shift in reading frame starting at codon cysteine 1511, changing it to a threonine, and creating a premature stop codon at position 8 of the new reading frame, denoted p.Cys1511ThrfsX8. This pathogenic variant is expected to result in either an abnormal, truncated protein product or loss of protein from this allele through nonsense-mediated mRNA decay. Multiple other downstream frameshift variants in the FBN1 gene have been reported in Human Gene Mutation Database in association with Marfan syndrome (Stenson et al., 2014), indicating that loss of function is a mechanism of disease for this gene. Furthermore, the c.4531_4534delTGTG variant has not been observed in large population cohorts (Lek et al., 2016; 1000 Genomes Consortium et al., 2015; Exome Variant Server).

NM_000138.5(FBN1):c.4531_4534del (p.Cys1511fs)

Gene: FBN1 (fibrillin 1; minus strand). Cytogenetic location: 15q21.1.
Variant type: Deletion.
Coding change: c.4531_4534del on transcript NM_000138.5 (MANE Select); coding-DNA positions 4531 to 4534, 4 bases deleted (TGTG; older notation c.4531_4534delTGTG).
Protein change: p.Cys1511fs; shifts the reading frame from cysteine 1511.
Molecular consequence: frameshift variant.
Genome position (GRCh38, 1-based): chr15:48,468,460-48,468,463, CACA deleted on the plus strand (TGTG on the coding strand, the reverse complement: FBN1 is on the minus strand). VCF-style (leftmost placement, unchanged base first): chr15-48468459-TCACA-T. GRCh37 (hg19) VCF-style: chr15-48760656-TCACA-T.
Other names: c.4531_4534delTGTG (NM_000138.4); short protein forms C1511fs.
Identifiers: ClinVar variation 451806 (VCV000451806.2), dbSNP rs1555397206, ClinGen allele CA658656483.